The following is an entry in ClinVar:

NM_021803.4(IL21):c.322C>T (p.Pro108Ser)

Gene: IL21 (interleukin 21; minus strand). Cytogenetic location: 4q27.
Variant type: single nucleotide variant.
Coding change: c.322C>T on transcript NM_021803.4 (MANE Select); coding-DNA position 322, C replaced by T.
Protein change: p.Pro108Ser; replaces proline 108 with serine.
Molecular consequence: missense variant.
Genome position (GRCh38, 1-based): chr4:122,615,720, G>A on the plus strand (C>T on the coding strand, the complement: IL21 is on the minus strand). VCF-style: chr4-122615720-G-A. GRCh37 (hg19) VCF-style: chr4-123536875-G-A.
Other names: c.322C>T, p.Pro108Ser (NM_001207006.3); short protein forms P108S.
Identifiers: ClinVar variation 2847575 (VCV002847575.3), dbSNP rs1377593692, ClinGen allele CA358221214.
Genomic context (GRCh38, chr4:122,615,720, plus strand): 5'-AGATGACAAATGACAATCTTACTAGTCTGTGTTTCTGTCTTCTCCCTGCATTTGTGGAAG[G>A]TGGTTTCCTCTTCAGCTTTTTAATTGATACATTGATTATCCTTTCATTGTTTCCTGTATT-3'
Protein context (NP_068575.1, residues 98-118): VSIKKLKRKP[Pro108Ser]STNAGRRQKH

ClinVar aggregate classification (germline): Uncertain significance (1 of 4 stars; one submission).

gnomAD v4.1: 3 of 1,613,660 alleles (0.00019%); highest among the groups gnomAD compares: South Asian, 0.0011%; no homozygotes.

Submission:

Labcorp Genetics (formerly Invitae), Labcorp
Classification: Uncertain significance. Last evaluated: 2023-04-13. Review status: criteria provided, single submitter. Criteria: Invitae Variant Classification Sherloc (09022015). Collection method: clinical testing. Allele origin: germline.
Comment: In summary, the available evidence is currently insufficient to determine the role of this variant in disease. Therefore, it has been classified as a Variant of Uncertain Significance. An algorithm developed to predict the effect of missense changes on protein structure and function (PolyPhen-2) suggests that this variant is likely to be disruptive. This variant has not been reported in the literature in individuals affected with IL21-related conditions. This variant is present in population databases (no rsID available, gnomAD 0.0009%). This sequence change replaces proline, which is neutral and non-polar, with serine, which is neutral and polar, at codon 108 of the IL21 protein (p.Pro108Ser).